The following is an entry in ClinVar:

ClinVar aggregate classification (germline): Pathogenic. Review status: criteria provided, multiple submitters, no conflicts (2 of 4 stars). 3 submissions from 3 submitters: Pathogenic (2). 1 of the submissions does not count toward it. Last evaluated 2026-01-07.

Conditions:
Hermansky-Pudlak syndrome 6 (HPS6). Identifiers: Orphanet 231512, Orphanet 79430, MedGen C3888007, MONDO:0013558, OMIM 614075.

Submissions (3):

First Genomix Gene Laboratory, Genetic Diagnostics Department
Classification: Pathogenic for Hermansky-Pudlak syndrome 6. Last evaluated: 2026-01-07. Review status: criteria provided, single submitter. Criteria: ACMG Guidelines, 2015. Collection method: clinical testing. Allele origin: germline. Inheritance: Autosomal recessive inheritance. Affected: no. Observed: 1 variant allele.

Labcorp Genetics (formerly Invitae), Labcorp
Classification: Pathogenic. Last evaluated: 2023-02-26. Review status: criteria provided, single submitter. Criteria: Invitae Variant Classification Sherloc (09022015). Collection method: clinical testing. Allele origin: germline.
Comment: ClinVar contains an entry for this variant (Variation ID: 1691238). For these reasons, this variant has been classified as Pathogenic. This variant disrupts a region of the HPS6 protein in which other variant(s) (p.Pro633LeufsX76) have been determined to be pathogenic (PMID: 27225848). This suggests that this is a clinically significant region of the protein, and that variants that disrupt it are likely to be disease-causing. This premature translational stop signal has been observed in individual(s) with Hermansky-Pudlak syndrome (PMID: 32830442). This variant is present in population databases (rs760452661, gnomAD 0.0009%). This sequence change creates a premature translational stop signal (p.Tyr410Valfs*9) in the HPS6 gene. While this is not anticipated to result in nonsense mediated decay, it is expected to disrupt the last 366 amino acid(s) of the HPS6 protein.

ISTH-SSC Genomics in Thrombosis and Hemostasis, KU Leuven, Center for Molecular and Vascular Biology
Classification: Likely pathogenic for Hermansky-Pudlak syndrome 6. Review status: no assertion criteria provided. Collection method: research. Allele origin: unknown. Affected: yes. Not counted in ClinVar's aggregate classification.
Comment: Submitted to GoldVariant by Dr Karyn Mégy from NIHR Bioresource - Cambridge University, UK

Literature cited by the submitters: PubMed 27225848 (cited by Labcorp Genetics (formerly Invitae), Labcorp); PubMed 32830442 (cited by Labcorp Genetics (formerly Invitae), Labcorp).

NM_024747.6(HPS6):c.1228_1252del (p.Tyr410fs)

Gene: HPS6 (HPS6 biogenesis of lysosomal organelles complex 2 subunit 3; plus strand). Cytogenetic location: 10q24.32.
Variant type: Deletion.
Coding change: c.1228_1252del on transcript NM_024747.6 (MANE Select); coding-DNA positions 1228 to 1252, 25 bases deleted (TACTACCAGCGGCGGAGCCTGCGGG).
Protein change: p.Tyr410fs; shifts the reading frame from tyrosine 410.
Molecular consequence: frameshift variant.
Genome position (GRCh38, 1-based): chr10:102,066,702-102,066,726, TACTACCAGCGGCGGAGCCTGCGGG deleted; deleting any 25 consecutive bases within chr10:102,066,693-102,066,726 gives the same sequence; the c. name uses the placement nearest the transcript's 3' end. VCF-style (leftmost placement, unchanged base first): chr10-102066692-GGCCTGCGGGTACTACCAGCGGCGGA-G. GRCh37 (hg19) VCF-style: chr10-103826449-GGCCTGCGGGTACTACCAGCGGCGGA-G.
Other names: short protein forms Y410fs.
Identifiers: ClinVar variation 1691238 (VCV001691238.8), dbSNP rs760452661, ClinGen allele CA5659942.
Genomic context (GRCh38, chr10:102,066,692, plus strand): 5'-GGGCTGGGAAGCCCCACAGGGTGTTGAGTTGCCTTCAGCCAAGGATCTGGTGTTTGAGGA[GGCCTGCGGGTACTACCAGCGGCGGA>G]GCCTGCGGGGTGCCCAGCTCACTCCAGAAGAACTGAGACACAGCAGCACATTCCGGGCAC-3'